The following is an entry in ClinVar:

ClinVar aggregate classification (germline): Likely pathogenic. Review status: criteria provided, multiple submitters, no conflicts (2 of 4 stars). 2 submissions from 2 submitters: Likely pathogenic (2). Last evaluated 2025-08-29.

Conditions:
Alport syndrome. Also called: Hemorrhagic familial nephritis; Hemorrhagic hereditary nephritis; Congenital hereditary hematuria. Identifiers: Orphanet 63, MedGen C1567741, MONDO:0018965.
Autosomal recessive Alport syndrome (ATS2). Also called: Alport syndrome type 2; COL4A3-Related Nephropathy; COL4A4 Alport Syndrome and Thin Basement Membrane Nephropathy; ALPORT SYNDROME 2, AUTOSOMAL RECESSIVE. Identifiers: Orphanet 63, Orphanet 88919, MedGen C4746745, MONDO:0008762, OMIM 203780.
Hematuria, benign familial, 1 (BFH1). Also called: THIN MEMBRANE NEPHROPATHY. Identifiers: MedGen CN376803, MONDO:0007709, OMIM 141200.

Submissions (2):

Natera, Inc.
Classification: Likely pathogenic for Alport syndrome. Last evaluated: 2025-08-29. Review status: criteria provided, single submitter. Criteria: Natera Variant Classification Schema (03/2026). Collection method: clinical testing. Allele origin: germline.
Comment: The c.2609G>C variant in COL4A4 is a missense variant predicted to cause substitution of glycine to alanine at amino acid 870. This variant is rare in the general population with a frequency below the threshold expected for the associated phenotype(s). This variant is located in a functionally critical region of the protein. A different variant at the same position has been determined to be Pathogenic or Likely Pathogenic. Computational prediction algorithms indicate this variant is likely to affect gene or protein function. Given the available evidence, this variant is classified as Likely Pathogenic.

Fulgent Genetics
Classification: Likely pathogenic for Hematuria, benign familial, 1; Autosomal recessive Alport syndrome. Last evaluated: 2024-04-23. Review status: criteria provided, single submitter. Criteria: ACMG Guidelines, 2015. Collection method: clinical testing. Allele origin: germline.

NM_000092.5(COL4A4):c.2609G>C (p.Gly870Ala)

Gene: COL4A4 (collagen type IV alpha 4 chain; minus strand). Cytogenetic location: 2q36.3.
Variant type: single nucleotide variant.
Coding change: c.2609G>C on transcript NM_000092.5 (MANE Select); coding-DNA position 2609, G replaced by C.
Protein change: p.Gly870Ala; replaces glycine 870 with alanine.
Molecular consequence: missense variant.
Genome position (GRCh38, 1-based): chr2:227,056,052, C>G on the plus strand (G>C on the coding strand, the complement: COL4A4 is on the minus strand). VCF-style: chr2-227056052-C-G. GRCh37 (hg19) VCF-style: chr2-227920768-C-G.
Other names: short protein forms G870A.
Identifiers: ClinVar variation 3585829 (VCV003585829.2).